The following is an entry in ClinVar:

ClinVar aggregate classification (germline): Uncertain significance (1 of 4 stars; one submission).

Conditions:
Autosomal dominant nonsyndromic hearing loss 1. Also called: KONIGSMARK SYNDROME; DEAFNESS, AUTOSOMAL DOMINANT 1, WITH OR WITHOUT THROMBOCYTOPENIA. Identifiers: Orphanet 90635, MedGen C1852282, MONDO:0007424, OMIM 124900.
Progressive microcephaly-seizures-cortical blindness-developmental delay syndrome. Also called: Seizures, cortical blindness, and microcephaly syndrome. Identifiers: Orphanet 477814, MedGen C5567650, MONDO:0014714, OMIM 616632.

Submission:

Labcorp Genetics (formerly Invitae), Labcorp
Classification: Uncertain significance for Progressive microcephaly-seizures-cortical blindness-developmental delay syndrome; Autosomal dominant nonsyndromic hearing loss 1. Last evaluated: 2025-07-30. Review status: criteria provided, single submitter. Criteria: Invitae Variant Classification Sherloc (09022015). Collection method: clinical testing. Allele origin: germline.
Comment: This sequence change replaces glutamine, which is neutral and polar, with histidine, which is basic and polar, at codon 822 of the DIAPH1 protein (p.Gln822His). This variant is not present in population databases (gnomAD no frequency). This variant has not been reported in the literature in individuals affected with DIAPH1-related conditions. An algorithm developed to predict the effect of missense changes on protein structure and function (PolyPhen-2) suggests that this variant is likely to be disruptive. In summary, the available evidence is currently insufficient to determine the role of this variant in disease. Therefore, it has been classified as a Variant of Uncertain Significance.

NM_005219.5(DIAPH1):c.2466G>C (p.Gln822His)

Gene: DIAPH1 (diaphanous related formin 1; minus strand). Cytogenetic location: 5q31.3.
Variant type: single nucleotide variant.
Coding change: c.2466G>C on transcript NM_005219.5 (MANE Select); coding-DNA position 2466, G replaced by C.
Protein change: p.Gln822His; replaces glutamine 822 with histidine.
Molecular consequence: missense variant.
Genome position (GRCh38, 1-based): chr5:141,571,933, C>G on the plus strand (G>C on the coding strand, the complement: DIAPH1 is on the minus strand). VCF-style: chr5-141571933-C-G. GRCh37 (hg19) VCF-style: chr5-140951500-C-G.
Other names: c.2439G>C, p.Gln813His (NM_001079812.3); c.2466G>C, p.Gln822His (NM_001314007.2); short protein forms Q813H, Q822H.
Identifiers: ClinVar variation 4784534 (VCV004784534.1).